The following is an entry in ClinVar:

ClinVar aggregate classification (germline): Uncertain significance (1 of 4 stars; one submission).

Conditions:
Familial acute necrotizing encephalopathy (IIAE3). Also called: ENCEPHALOPATHY, ACUTE, INFECTION-INDUCED, SUSCEPTIBILITY TO, 3; Susceptibility to Acute Necrotizing Encephalopathy 1. Identifiers: Orphanet 88619, MedGen C2675556, MONDO:0011953, OMIM 608033.

gnomAD v4.1: 40 of 1,611,274 alleles (0.0025%); highest among the groups gnomAD compares: Non-Finnish European, 0.0033%; no homozygotes.

Submission:

Labcorp Genetics (formerly Invitae), Labcorp
Classification: Uncertain significance for Familial acute necrotizing encephalopathy. Last evaluated: 2026-01-28. Review status: criteria provided, single submitter. Criteria: Invitae Variant Classification Sherloc (09022015). Collection method: clinical testing. Allele origin: germline.
Comment: This sequence change falls in intron 13 of the RANBP2 gene. It does not directly change the encoded amino acid sequence of the RANBP2 protein. It affects a nucleotide within the consensus splice site. This variant is present in population databases (no rsID available, gnomAD 0.0009%). This variant has not been reported in the literature in individuals affected with RANBP2-related conditions. Variants that disrupt the consensus splice site are a relatively common cause of aberrant splicing (PMID: 17576681, 9536098). Algorithms developed to predict the effect of sequence changes on RNA splicing suggest that this variant is not likely to affect RNA splicing. In summary, the available evidence is currently insufficient to determine the role of this variant in disease. Therefore, it has been classified as a Variant of Uncertain Significance.

Literature cited by the submitters: PubMed 17576681; PubMed 9536098.

NM_006267.5(RANBP2):c.1917+5C>A

Gene: RANBP2 (RAN binding protein 2; plus strand). Cytogenetic location: 2q13.
Variant type: single nucleotide variant.
Coding change: c.1917+5C>A on transcript NM_006267.5 (MANE Select); 5 bases into the intron after coding-DNA position 1917, C replaced by A.
Molecular consequence: intron variant.
Genome position (GRCh38, 1-based): chr2:108,753,164, C>A. VCF-style: chr2-108753164-C-A. GRCh37 (hg19) VCF-style: chr2-109369620-C-A.
Other names: c.1917+5C>A (NM_001415871.1, NM_001415873.1); c.1914+5C>A (NM_001415872.1).
Identifiers: ClinVar variation 4691933 (VCV004691933.1).